The following is an entry in ClinVar:

ClinVar aggregate classification (germline): Pathogenic/Likely pathogenic. Review status: criteria provided, multiple submitters, no conflicts (2 of 4 stars). 2 submissions from 2 submitters: Pathogenic (1); Likely pathogenic (1). Last evaluated 2021-11-07.

Conditions:
Neutropenia, severe congenital, 1, autosomal dominant. Identifiers: MedGen C1859966, MONDO:0042490, OMIM 202700.
Cyclical neutropenia. Also called: Cyclic hematopoiesis; Cyclic Neutropenia. Identifiers: Orphanet 2686, MedGen C0221023, MONDO:0008090, OMIM 162800, HP:0040289. Disease mechanism: loss of function.

Submissions (2):

Labcorp Genetics (formerly Invitae), Labcorp
Classification: Pathogenic for Neutropenia, severe congenital, 1, autosomal dominant; Cyclical neutropenia. Last evaluated: 2021-11-07. Review status: criteria provided, single submitter. Criteria: Invitae Variant Classification Sherloc (09022015). Collection method: clinical testing. Allele origin: germline.
Comment: This sequence change creates a premature translational stop signal (p.Trp241*) in the ELANE gene. While this is not anticipated to result in nonsense mediated decay, it is expected to disrupt the last 27 amino acid(s) of the ELANE protein. This variant is not present in population databases (gnomAD no frequency). Algorithms developed to predict the effect of sequence changes on RNA splicing suggest that this variant may create or strengthen a splice site. ClinVar contains an entry for this variant (Variation ID: 986920). This premature translational stop signal has been observed in individual(s) with clinical features of ELANE-related conditions (PMID: 19415009; Invitae). In at least one individual the variant was observed to be de novo. For these reasons, this variant has been classified as Pathogenic.

Institute of Medical Genetics and Applied Genomics, University Hospital Tübingen
Classification: Likely pathogenic. Last evaluated: 2020-10-23. Review status: criteria provided, single submitter. Criteria: ACMG Guidelines, 2015. Collection method: clinical testing. Allele origin: germline. Inheritance: Autosomal unknown. Affected: yes.

Literature cited by the submitters: PubMed 19415009 (cited by Labcorp Genetics (formerly Invitae), Labcorp).

NM_001972.4(ELANE):c.722G>A (p.Trp241Ter)

Gene: ELANE (elastase, neutrophil expressed; plus strand). Cytogenetic location: 19p13.3.
Variant type: single nucleotide variant.
Coding change: c.722G>A on transcript NM_001972.4 (MANE Select); coding-DNA position 722, G replaced by A.
Protein change: p.Trp241Ter; replaces tryptophan 241 with a stop codon.
Molecular consequence: nonsense.
Genome position (GRCh38, 1-based): chr19:856,082, G>A. VCF-style: chr19-856082-G-A. GRCh37 (hg19) VCF-style: chr19-856082-G-A.
Other names: short protein forms W241*.
Identifiers: ClinVar variation 986920 (VCV000986920.8), dbSNP rs2035677025, ClinGen allele CA402919291.